The following is an entry in ClinVar:

ClinVar aggregate classification (germline): Uncertain significance (1 of 4 stars; one submission).

Conditions:
Cardiovascular phenotype. Identifiers: MedGen CN230736.

gnomAD v4.1: 1 of 1,612,604 alleles (0.000062%); highest among the groups gnomAD compares: Non-Finnish European, 0.000085%; no homozygotes.

Submission:

Ambry Genetics
Classification: Uncertain significance for Cardiovascular phenotype. Last evaluated: 2026-03-29. Review status: criteria provided, single submitter. Criteria: Ambry Variant Classification Scheme 2023. Collection method: clinical testing. Allele origin: germline.
Comment: The p.S23N variant (also known as c.68G>A), located in coding exon 1 of the ABCG5 gene, results from a G to A substitution at nucleotide position 68. The serine at codon 23 is replaced by asparagine, an amino acid with highly similar properties. This amino acid position is conserved. In addition, this alteration is predicted to be tolerated by in silico analysis. Based on the available evidence, the clinical significance of this variant remains unclear.

NM_022436.3(ABCG5):c.68G>A (p.Ser23Asn)

Gene: ABCG5 (ATP binding cassette subfamily G member 5; minus strand). Cytogenetic location: 2p21.
Variant type: single nucleotide variant.
Coding change: c.68G>A on transcript NM_022436.3 (MANE Select); coding-DNA position 68, G replaced by A.
Protein change: p.Ser23Asn; replaces serine 23 with asparagine.
Molecular consequence: missense variant.
Genome position (GRCh38, 1-based): chr2:43,838,612, C>T on the plus strand (G>A on the coding strand, the complement: ABCG5 is on the minus strand). VCF-style: chr2-43838612-C-T. GRCh37 (hg19) VCF-style: chr2-44065751-C-T.
Other names: short protein forms S23N.
Identifiers: ClinVar variation 4862796 (VCV004862796.1).